The following is an entry in ClinVar:

NM_001353345.2(SETD1B):c.2588G>A (p.Gly863Asp)

Gene: SETD1B (SET domain containing 1B, histone lysine methyltransferase; plus strand). Cytogenetic location: 12q24.31.
Variant type: single nucleotide variant.
Coding change: c.2588G>A on transcript NM_001353345.2 (MANE Select); coding-DNA position 2588, G replaced by A.
Protein change: p.Gly863Asp; replaces glycine 863 with aspartic acid.
Molecular consequence: missense variant.
Genome position (GRCh38, 1-based): chr12:121,814,803, G>A. VCF-style: chr12-121814803-G-A. GRCh37 (hg19) VCF-style: chr12-122252709-G-A.
Other names: short protein forms G863D.
Identifiers: ClinVar variation 2672527 (VCV002672527.23), dbSNP rs2500203654, ClinGen allele CA386994982.

ClinVar aggregate classification (germline): Uncertain significance (1 of 4 stars; one submission).

Allele frequency attached by ClinVar (database versions not stated): gnomAD exomes below 0.00001.
gnomAD v4.1: 2 of 1,551,578 alleles (0.00013%); highest among the groups gnomAD compares: Non-Finnish European, 0.00017%; no homozygotes.

Submission:

CeGaT Center for Human Genetics Tuebingen
Classification: Uncertain significance. Last evaluated: 2023-11-01. Review status: criteria provided, single submitter. Criteria: CeGaT Center For Human Genetics Tuebingen Variant Classification Criteria Version 2. Collection method: clinical testing. Allele origin: germline. Affected: yes. Observed: 1 variant allele.
Comment: SETD1B: PM2, PP2, PP3